The following is an entry in ClinVar:

NM_000059.4(BRCA2):c.10252A>G (p.Ile3418Val)

Gene: BRCA2 (BRCA2 DNA repair associated; plus strand). Cytogenetic location: 13q13.1.
Variant type: single nucleotide variant.
Coding change: c.10252A>G on transcript NM_000059.4 (MANE Select); coding-DNA position 10252, A replaced by G.
Protein change: p.Ile3418Val; replaces isoleucine 3418 with valine.
Molecular consequence: missense variant.
Genome position (GRCh38, 1-based): chr13:32,398,765, A>G. VCF-style: chr13-32398765-A-G. GRCh37 (hg19) VCF-style: chr13-32972902-A-G.
Other names: c.10156A>G, p.Ile3386Val (NM_001406719.1); c.10201A>G, p.Ile3401Val (NM_001406720.1); c.5320A>G, p.Ile1774Val (NM_001406721.1); c.3835A>G, p.Ile1279Val (NM_001406722.1); short protein forms I1279V, I1774V, I3386V, I3401V, I3418V.
Identifiers: ClinVar variation 1721446 (VCV001721446.9), dbSNP rs2073058148, ClinGen allele CA387768703.

ClinVar aggregate classification (germline): Uncertain significance. Review status: criteria provided, multiple submitters, no conflicts (2 of 4 stars). 3 submissions from 3 submitters: Uncertain significance (3). Last evaluated 2023-11-02.

Conditions:
Breast-ovarian cancer, familial, susceptibility to, 2 (BROVCA2). Also called: BRCA2 Hereditary Breast and Ovarian Cancer. Identifiers: Orphanet 145, MedGen C2675520, MONDO:0012933, OMIM 612555. Disease mechanism: loss of function.
Hereditary cancer-predisposing syndrome. Also called: Hereditary Cancer Syndrome; Hereditary neoplastic syndrome; Neoplastic Syndromes, Hereditary; Tumor predisposition. Identifiers: Orphanet 140162, MedGen C0027672, MeSH D009386, MONDO:0015356.
Hereditary breast ovarian cancer syndrome. Also called: Breast and ovarian cancer; Hereditary breast and/or ovarian cancer syndrome; Hereditary breast and ovarian cancer syndrome; Hereditary breast and ovarian cancer syndrome (HBOC); BRCA1- and BRCA2-Associated Hereditary Breast and Ovarian Cancer; Hereditary breast and ovarian cancer. Identifiers: Orphanet 145, MedGen C0677776, MeSH D061325, MONDO:0003582. Disease mechanism: loss of function.

Allele frequency attached by ClinVar (database versions not stated): TOPMed below 0.00001; gnomAD 0.00001.
gnomAD v4.1: 1 of 1,613,696 alleles (0.000062%); highest among the groups gnomAD compares: Non-Finnish European, 0.000085%; no homozygotes.

Submissions (3):

All of Us Research Program, National Institutes of Health
Classification: Uncertain significance for Breast-ovarian cancer, familial, susceptibility to, 2. Last evaluated: 2023-11-02. Review status: criteria provided, single submitter. Criteria: ACMG Guidelines, 2015. Collection method: clinical testing. Allele origin: germline. Inheritance: Autosomal dominant inheritance. Observed: 1 variant allele, 1 heterozygote.
Comment: This missense variant replaces isoleucine with valine at codon 3418 of the BRCA2 protein. Computational prediction suggests that this variant may not impact protein structure and function (internally defined REVEL score threshold <= 0.5, PMID: 27666373). To our knowledge, functional studies have not been reported for this variant. This variant has not been reported in individuals affected with BRCA2-related disorders in the literature. This variant has not been identified in the general population by the Genome Aggregation Database (gnomAD). The available evidence is insufficient to determine the role of this variant in disease conclusively. Therefore, this variant is classified as a Variant of Uncertain Significance.

This study involves interpretation of variants in research participants for the purpose of population health screening. Participant phenotype was not available at the time of variant classification. Additional details can be found in publication PMID: 35346344, PMCID: PMC8962531

Ambry Genetics
Classification: Uncertain significance for Hereditary cancer-predisposing syndrome. Last evaluated: 2023-11-02. Review status: criteria provided, single submitter. Criteria: Ambry Variant Classification Scheme 2023. Collection method: clinical testing. Allele origin: germline.
Comment: The p.I3418V variant (also known as c.10252A>G), located in coding exon 26 of the BRCA2 gene, results from an A to G substitution at nucleotide position 10252. The isoleucine at codon 3418 is replaced by valine, an amino acid with highly similar properties. This amino acid position is not well conserved in available vertebrate species. In addition, this alteration is predicted to be tolerated by in silico analysis. Since supporting evidence is limited at this time, the clinical significance of this alteration remains unclear.

Labcorp Genetics (formerly Invitae), Labcorp
Classification: Uncertain significance for Hereditary breast ovarian cancer syndrome. Last evaluated: 2022-10-12. Review status: criteria provided, single submitter. Criteria: Invitae Variant Classification Sherloc (09022015). Collection method: clinical testing. Allele origin: germline.
Comment: This variant has not been reported in the literature in individuals affected with BRCA2-related conditions. This variant is not present in population databases (gnomAD no frequency). This sequence change replaces isoleucine, which is neutral and non-polar, with valine, which is neutral and non-polar, at codon 3418 of the BRCA2 protein (p.Ile3418Val). Advanced modeling of protein sequence and biophysical properties (such as structural, functional, and spatial information, amino acid conservation, physicochemical variation, residue mobility, and thermodynamic stability) performed at Invitae indicates that this missense variant is not expected to disrupt BRCA2 protein function. In summary, the available evidence is currently insufficient to determine the role of this variant in disease. Therefore, it has been classified as a Variant of Uncertain Significance.